The following is an entry in ClinVar:

ClinVar aggregate classification (germline): Uncertain significance (1 of 4 stars; one submission).

Conditions:
Cardiovascular phenotype. Identifiers: MedGen CN230736.

Submission:

Ambry Genetics
Classification: Uncertain significance for Cardiovascular phenotype. Last evaluated: 2026-09-11. Review status: criteria provided, single submitter. Criteria: Ambry Variant Classification Scheme 2023. Collection method: clinical testing. Allele origin: germline.
Comment: The p.Y1851S variant (also known as c.5552A>C), located in coding exon 26 of the APOB gene, results from an A to C substitution at nucleotide position 5552. The tyrosine at codon 1851 is replaced by serine, an amino acid with dissimilar properties. This amino acid position is conserved. In addition, this alteration is predicted to be tolerated by in silico analysis. Based on the available evidence, the clinical significance of this variant remains unclear.

NM_000384.3(APOB):c.5552A>C (p.Tyr1851Ser)

Gene: APOB (apolipoprotein B; minus strand). Cytogenetic location: 2p24.1.
Variant type: single nucleotide variant.
Coding change: c.5552A>C on transcript NM_000384.3 (MANE Select); coding-DNA position 5552, A replaced by C.
Protein change: p.Tyr1851Ser; replaces tyrosine 1851 with serine.
Molecular consequence: missense variant.
Genome position (GRCh38, 1-based): chr2:21,011,316, T>G on the plus strand (A>C on the coding strand, the complement: APOB is on the minus strand). VCF-style: chr2-21011316-T-G. GRCh37 (hg19) VCF-style: chr2-21234188-T-G.
Other names: short protein forms Y1851S.
Identifiers: ClinVar variation 2487702 (VCV002487702.3), dbSNP rs775319150, ClinGen allele CA346004478.
Genomic context (GRCh38, chr2:21,011,316, plus strand): 5'-TCTGTGTTGAGCCGATGGCTAAACTCCACACCCTGAACCTTAGCAACAGTGTCTGCTTTA[T>G]AGCTTGCTGATAAGGCAGCAGAAGAGATGGCATAGATGTGTTTTATTTCATTATTTTGGT-3'
Protein context (NP_000375.3, residues 1841-1861): AISSAALSAS[Tyr1851Ser]KADTVAKVQG